The following is an entry in ClinVar:

ClinVar aggregate classification (germline): Pathogenic/Likely pathogenic. Review status: criteria provided, multiple submitters, no conflicts (2 of 4 stars). 5 submissions from 5 submitters: Pathogenic (1); Likely pathogenic (4). Last evaluated 2025-12-28.

Conditions:
ACADVL-related disorder. Also called: ACADVL-related condition.
Very long chain acyl-CoA dehydrogenase deficiency (ACADVLD). Also called: VLCAD Deficiency; Very Long-Chain Acyl-Coenzyme A Dehydrogenase Deficiency. Identifiers: Orphanet 26793, MedGen C3887523, MONDO:0008723, OMIM 201475.

Allele frequency attached by ClinVar (database versions not stated): gnomAD exomes 0.00001; TOPMed 0.00001.

Submissions (5):

Women's Health and Genetics/Laboratory Corporation of America, LabCorp
Classification: Likely pathogenic for Very long chain acyl-CoA dehydrogenase deficiency. Last evaluated: 2025-12-28. Review status: criteria provided, single submitter. Criteria: LabCorp Variant Classification Summary - May 2015. Collection method: clinical testing. Allele origin: germline.
Comment: Variant summary: ACADVL c.773T>C (p.Ile258Thr) results in a non-conservative amino acid change in the encoded protein sequence. Algorithms developed to predict the effect of missense changes on protein structure and function all suggest that this variant is likely to be disruptive. The variant was absent in 251474 control chromosomes. c.773T>C has been observed in individual(s) meeting established pathognomic features and affected with Very Long Chain Acyl-CoA Dehydrogenase Deficiency (example, Hesse_2018, Remec_2021, internal testing). These data indicate that the variant may be associated with disease. To our knowledge, no experimental evidence demonstrating an impact on protein function has been reported. The following publications have been ascertained in the context of this evaluation (PMID: 30194637, 33986768). ClinVar contains an entry for this variant (Variation ID: 854698). Based on the evidence outlined above, the variant was classified as likely pathogenic.

Natera, Inc.
Classification: Likely pathogenic for Very long chain acyl-CoA dehydrogenase deficiency. Last evaluated: 2025-11-12. Review status: criteria provided, single submitter. Criteria: Natera Variant Classification Schema (03/2026). Collection method: clinical testing. Allele origin: germline.
Comment: The c.773T>C variant in ACADVL is a missense variant predicted to cause substitution of isoleucine to threonine at amino acid 258. This variant is rare in the general population with a frequency below the threshold expected for the associated phenotype(s). This variant has been observed in one or more individuals affected with the associated recessive disease, as either homozygous or compound heterozygous with a second variant (PMID: 33986768, 30194637). Functional studies show that this variant may disrupt protein function (PMID: 30194637). Computational prediction algorithms indicate this variant is likely to affect gene or protein function. Given the available evidence, this variant is classified as Likely Pathogenic.

Blueprint Genetics
Classification: Likely pathogenic for ACADVL-related disorders. Last evaluated: 2024-02-23. Review status: criteria provided, single submitter. Criteria: ACMG Guidelines, 2015. Collection method: clinical testing. Allele origin: germline. Affected: yes. Observed: 2 variant alleles.

Labcorp Genetics (formerly Invitae), Labcorp
Classification: Pathogenic for Very long chain acyl-CoA dehydrogenase deficiency. Last evaluated: 2024-02-17. Review status: criteria provided, single submitter. Criteria: Invitae Variant Classification Sherloc (09022015). Collection method: clinical testing. Allele origin: germline.
Comment: This sequence change replaces isoleucine, which is neutral and non-polar, with threonine, which is neutral and polar, at codon 258 of the ACADVL protein (p.Ile258Thr). This variant is not present in population databases (gnomAD no frequency). This missense change has been observed in individual(s) with features of very long chain acyl-CoA dehydrogenase (VLCAD) deficiency (PMID: 30194637, 33986768; Invitae). ClinVar contains an entry for this variant (Variation ID: 854698). Advanced modeling of protein sequence and biophysical properties (such as structural, functional, and spatial information, amino acid conservation, physicochemical variation, residue mobility, and thermodynamic stability) performed at Invitae indicates that this missense variant is expected to disrupt ACADVL protein function with a positive predictive value of 95%. For these reasons, this variant has been classified as Pathogenic.

Baylor Genetics
Classification: Likely pathogenic for Very long chain acyl-CoA dehydrogenase deficiency. Last evaluated: 2023-10-14. Review status: criteria provided, single submitter. Criteria: ACMG Guidelines, 2015. Collection method: clinical testing. Allele origin: unknown.

Literature cited by the submitters: PubMed 30194637 (cited by 3 submitters); PubMed 33986768 (cited by 3 submitters).

NM_000018.4(ACADVL):c.773T>C (p.Ile258Thr)

Gene: ACADVL (acyl-CoA dehydrogenase very long chain; plus strand). Cytogenetic location: 17p13.1.
Variant type: single nucleotide variant.
Coding change: c.773T>C on transcript NM_000018.4 (MANE Select); coding-DNA position 773, T replaced by C.
Protein change: p.Ile258Thr; replaces isoleucine 258 with threonine.
Molecular consequence: missense variant.
Genome position (GRCh38, 1-based): chr17:7,222,197, T>C. VCF-style: chr17-7222197-T-C. GRCh37 (hg19) VCF-style: chr17-7125516-T-C.
Other names: c.707T>C, p.Ile236Thr (NM_001033859.3); c.842T>C, p.Ile281Thr (NM_001270447.2); c.545T>C, p.Ile182Thr (NM_001270448.2); short protein forms I182T, I258T, I236T, I281T.
Identifiers: ClinVar variation 854698 (VCV000854698.10), dbSNP rs1197133430, ClinGen allele CA397723661.